The following is an entry in ClinVar:

NM_000307.5(POU3F4):c.490C>T (p.Pro164Ser)

Gene: POU3F4 (POU class 3 homeobox 4; plus strand). Cytogenetic location: Xq21.1.
Variant type: single nucleotide variant.
Coding change: c.490C>T on transcript NM_000307.5 (MANE Select); coding-DNA position 490, C replaced by T.
Protein change: p.Pro164Ser; replaces proline 164 with serine.
Molecular consequence: missense variant.
Genome position (GRCh38, 1-based): chrX:83,508,814, C>T. VCF-style: chrX-83508814-C-T. GRCh37 (hg19) VCF-style: chrX-82763822-C-T.
Other names: short protein forms P164S.
Identifiers: ClinVar variation 1803528 (VCV001803528.1), dbSNP rs763166620, ClinGen allele CA10462784.
Genomic context (GRCh38, chrX:83,508,814, plus strand): 5'-ATGCTGGAACACGGGGGACTCACCCCACCTCCAGCTGCCGCCTCTGCACAGAGCCTGCAC[C>T]CGGTGCTCCGAGAGCCCCCGGATCACGGCGAACTGGGCTCGCACCATTGCCAGGATCACT-3'
Protein context (NP_000298.3, residues 154-174): PAAASAQSLH[Pro164Ser]VLREPPDHGE

ClinVar aggregate classification (germline): Uncertain significance (1 of 4 stars; one submission).

Allele frequency attached by ClinVar (database versions not stated): TOPMed 0.00001; ExAC 0.00002; gnomAD 0.00002; gnomAD exomes 0.00002.
gnomAD v4.1: 25 of 1,205,023 alleles (0.0021%); highest among the groups gnomAD compares: Non-Finnish European, 0.0024%; no homozygotes.

Submission:

GeneDx
Classification: Uncertain significance. Last evaluated: 2022-06-07. Review status: criteria provided, single submitter. Criteria: GeneDx Variant Classification Process June 2021. Collection method: clinical testing. Allele origin: germline. Affected: yes.
Comment: In silico analysis supports that this missense variant has a deleterious effect on protein structure/function; Has not been previously published as pathogenic or benign to our knowledge